The following is an entry in ClinVar:

ClinVar aggregate classification (germline): Uncertain significance (1 of 4 stars; one submission).

Conditions:
ALG6-congenital disorder of glycosylation 1C (CDG1C). Also called: CDG Ic; Congenital disorder of glycosylation type 1C; CARBOHYDRATE-DEFICIENT GLYCOPROTEIN SYNDROME, TYPE I, WITH DEFICIENT GLYCOSYLATION OF DOLICHOL-LINKED OLIGOSACCHARIDE; CARBOHYDRATE-DEFICIENT GLYCOPROTEIN SYNDROME, TYPE V; Congenital disorder of glycosylation, type Ic. Identifiers: Orphanet 79320, MedGen C2930997, MONDO:0011291, OMIM 603147.

Submissions (2):

Labcorp Genetics (formerly Invitae), Labcorp
Classification: Uncertain significance for ALG6-congenital disorder of glycosylation 1C. Last evaluated: 2022-05-16. Review status: criteria provided, single submitter. Criteria: Invitae Variant Classification Sherloc (09022015). Collection method: clinical testing. Allele origin: germline.
Comment: This sequence change falls in intron 8 of the ALG6 gene. It does not directly change the encoded amino acid sequence of the ALG6 protein. This variant is present in population databases (no rsID available, gnomAD 0.0009%). This variant has not been reported in the literature in individuals affected with ALG6-related conditions. Algorithms developed to predict the effect of sequence changes on RNA splicing suggest that this variant may disrupt the consensus splice site. In summary, the available evidence is currently insufficient to determine the role of this variant in disease. Therefore, it has been classified as a Variant of Uncertain Significance.

Dr. Peter K. Rogan Lab, Western University
No classification provided (evidence only). Condition: Acute myeloid leukemia. Review status: no classification provided. Collection method: in vitro. Allele origin: not applicable. Functional consequence: retained intron. Not counted in ClinVar's aggregate classification.

NM_013339.4(ALG6):c.681-5T>G

Gene: ALG6 (ALG6 alpha-1,3-glucosyltransferase; plus strand). Cytogenetic location: 1p31.3.
Variant type: single nucleotide variant.
Coding change: c.681-5T>G on transcript NM_013339.4 (MANE Select); 5 bases into the intron before coding-DNA position 681, T replaced by G.
Molecular consequence: intron variant.
Genome position (GRCh38, 1-based): chr1:63,411,921, T>G. VCF-style: chr1-63411921-T-G. GRCh37 (hg19) VCF-style: chr1-63877592-T-G.
Identifiers: ClinVar variation 1991361 (VCV001991361.2), dbSNP rs778405436, ClinGen allele CA523556787.